The following is an entry in ClinVar:

NM_000535.7(PMS2):c.513G>A (p.Lys171=)

Gene: PMS2 (PMS1 homolog 2, mismatch repair system component; minus strand). Cytogenetic location: 7p22.1.
Variant type: single nucleotide variant.
Coding change: c.513G>A on transcript NM_000535.7 (MANE Select); coding-DNA position 513, G replaced by A.
Protein change: p.Lys171=; no amino-acid change (lysine 171 retained).
Molecular consequence: synonymous variant. On other transcripts: 5 prime UTR variant (2), non-coding transcript variant (1).
Genome position (GRCh38, 1-based): chr7:6,002,477, C>T on the plus strand (G>A on the coding strand, the complement: PMS2 is on the minus strand). VCF-style: chr7-6002477-C-T. GRCh37 (hg19) VCF-style: chr7-6042108-C-T.
Other names: c.108G>A, p.Lys36= (NM_001322003.2, NM_001322004.2, NM_001322005.2 and 3 more transcripts); c.513G>A, p.Lys171= (NM_001322006.2, NM_001322014.2); c.195G>A, p.Lys65= (NM_001322007.2, NM_001322008.2); c.-372G>A (NM_001322011.2, NM_001322012.2); c.204G>A, p.Lys68= (NM_001322015.2).
Identifiers: ClinVar variation 525944 (VCV000525944.15), dbSNP rs1280423254, ClinGen allele CA453647603.

ClinVar aggregate classification (germline): Benign/Likely benign. Review status: criteria provided, multiple submitters, no conflicts (2 of 4 stars). 5 submissions from 5 submitters: Benign (1); Likely benign (4). Last evaluated 2025-08-18.

Conditions:
Hereditary nonpolyposis colorectal neoplasms. Identifiers: MedGen C0009405, MeSH D003123.
Hereditary cancer-predisposing syndrome. Also called: Neoplastic Syndromes, Hereditary; Tumor predisposition; Hereditary Cancer Syndrome; Hereditary neoplastic syndrome. Identifiers: Orphanet 140162, MedGen C0027672, MeSH D009386, MONDO:0015356.
Lynch syndrome 4 (LYNCH4). Also called: Colorectal cancer, hereditary nonpolyposis, type 4; Hereditary non-polyposis colorectal cancer, type 4. Identifiers: Orphanet 144, MedGen C1838333, MONDO:0013699, OMIM 614337. Disease mechanism: loss of function.

Allele frequency attached by ClinVar (database versions not stated): gnomAD exomes below 0.00001 and 0.00001; gnomAD 0.00001; TOPMed 0.00001.
gnomAD v4.1: 3 of 1,610,990 alleles (0.00019%); highest among the groups gnomAD compares: Admixed American, 0.005%; no homozygotes.

Submissions (5):

Labcorp Genetics (formerly Invitae), Labcorp
Classification: Likely benign for Hereditary nonpolyposis colorectal neoplasms. Last evaluated: 2025-08-18. Review status: criteria provided, single submitter. Criteria: Invitae Variant Classification Sherloc (09022015). Collection method: clinical testing. Allele origin: germline.

Myriad Genetics, Inc.
Classification: Benign for Lynch syndrome 4. Last evaluated: 2025-01-27. Review status: criteria provided, single submitter. Criteria: Myriad Autosomal Dominant, Autosomal Recessive and X-Linked Classification Criteria (2023). Collection method: clinical testing. Allele origin: unknown.
Comment: This variant is considered benign. This variant is a silent/synonymous amino acid change and it is not expected to impact splicing.

Women's Health and Genetics/Laboratory Corporation of America, LabCorp
Classification: Likely benign. Last evaluated: 2024-11-04. Review status: criteria provided, single submitter. Criteria: LabCorp Variant Classification Summary - May 2015. Collection method: clinical testing. Allele origin: germline.

Ambry Genetics
Classification: Likely benign for Hereditary cancer-predisposing syndrome. Last evaluated: 2021-03-19. Review status: criteria provided, single submitter. Criteria: Ambry Variant Classification Scheme 2023. Collection method: clinical testing. Allele origin: germline.

Color Diagnostics, LLC DBA Color Health
Classification: Likely benign for Hereditary cancer-predisposing syndrome. Last evaluated: 2020-08-19. Review status: criteria provided, single submitter. Criteria: ACMG Guidelines, 2015. Collection method: clinical testing. Allele origin: germline.